The following is an entry in ClinVar:

ClinVar aggregate classification (germline): Likely benign (1 of 4 stars; one submission).

Conditions:
ALMS1-related disorder. Also called: ALMS1-related condition.

Submission:

PreventionGenetics, part of Exact Sciences
Classification: Likely benign for ALMS1-related condition. Last evaluated: 2023-11-22. Review status: criteria provided, single submitter. Criteria: ACMG Guidelines, 2015. Collection method: clinical testing. Allele origin: germline.
Comment: This variant is classified as likely benign based on ACMG/AMP sequence variant interpretation guidelines (Richards et al. 2015 PMID: 25741868, with internal and published modifications).

NM_001378454.1(ALMS1):c.6471A>G (p.Pro2157=)

Gene: ALMS1 (ALMS1 centrosome and basal body associated protein; plus strand). Cytogenetic location: 2p13.1.
Variant type: single nucleotide variant.
Coding change: c.6471A>G on transcript NM_001378454.1 (MANE Select); coding-DNA position 6471, A replaced by G.
Protein change: p.Pro2157=; no amino-acid change (proline 2157 retained).
Molecular consequence: synonymous variant.
Genome position (GRCh38, 1-based): chr2:73,452,998, A>G. VCF-style: chr2-73452998-A-G. GRCh37 (hg19) VCF-style: chr2-73680125-A-G.
Other names: c.6474A>G, p.Pro2158= (NM_015120.4).
Identifiers: ClinVar variation 3046145 (VCV003046145.1), dbSNP rs2466109203, ClinGen allele CA427022750.